The following is an entry in ClinVar:

NM_177924.5(ASAH1):c.413A>G (p.Glu138Gly)

Gene: ASAH1 (N-acylsphingosine amidohydrolase 1; minus strand). Cytogenetic location: 8p22.
Variant type: single nucleotide variant.
Coding change: c.413A>G on transcript NM_177924.5 (MANE Select); coding-DNA position 413, A replaced by G.
Protein change: p.Glu138Gly; replaces glutamic acid 138 with glycine.
Molecular consequence: missense variant.
Genome position (GRCh38, 1-based): chr8:18,064,501, T>C on the plus strand (A>G on the coding strand, the complement: ASAH1 is on the minus strand). VCF-style: chr8-18064501-T-C. GRCh37 (hg19) VCF-style: chr8-17922010-T-C.
Other names: c.395A>G, p.Glu132Gly (NM_001127505.3); c.218A>G, p.Glu73Gly (NM_001363743.2); c.461A>G, p.Glu154Gly (NM_004315.6); short protein forms E132G, E138G, E154G, E73G.
Identifiers: ClinVar variation 1687065 (VCV001687065.4), dbSNP rs137853594, ClinGen allele CA370431699.
Genomic context (GRCh38, chr8:18,064,501, plus strand): 5'-CTCAGCGCACAATTACCTTTTTTGTCTTCTGCTACTATTGAAGTACAAATGGTAAATAAT[T>C]CATAAAAAATATTGAATGAAATAATCTCTCCTATGAGAAAAGAAAATTTTGTGTTAATAT-3'
Protein context (NP_808592.2, residues 128-148): GEIISFNIFY[Glu138Gly]LFTICTSIVA

ClinVar aggregate classification (germline): Likely pathogenic (1 of 4 stars; one submission).

Conditions:
Farber lipogranulomatosis (FRBRL). Also called: Farber's disease; Farber disease; Farber's lipogranulomatosis; AC DEFICIENCY; ACID CERAMIDASE DEFICIENCY; CERAMIDASE DEFICIENCY. Identifiers: Orphanet 333, MedGen C0268255, MONDO:0009218, OMIM 228000.

Submission:

Diagnostics Services (NGS), CSIR - Centre For Cellular And Molecular Biology
Classification: Likely pathogenic for Farber lipogranulomatosis. Last evaluated: 2022-05-20. Review status: criteria provided, single submitter. Criteria: ACMG Guidelines, 2015. Collection method: clinical testing. Allele origin: germline. Inheritance: Autosomal recessive inheritance. Affected: yes. Observed: 1 homozygote.
Comment: The c.461A>G variant is not present in publicly available population databases like 1000 Genomes, Exome Variant Server (EVS), Exome Aggregation Consortium (ExAC), Genome Aggregation Database (gnomAD) and dbSNP. The variant is not present in Indian Exome Database and in our in-house exome database. The variant was not previously reported to ClinVar, Human Genome Mutation Database (HGMD) and/or OMIM databases in any affected individuals. In-silico pathogenicity prediction programs like SIFT, PolyPhen-2, MutationTaster2, CADD, Varsome, InterVar etc. predicted this variant to be likely deleterious. The variant is located in a dense mutational hotspot region of the gene where other pathogenic missense variants has been identified and reported. An alternative variant in the same position (c.461A>T, p.Glu154Val) was previously reported to ClinVar (Accession: VCV000000092.2) and HGMD (ID: CM993321) as pathogenic/likely pathogenic in association with Farber disease (PMID: 10610716).

Literature cited by the submitters: PubMed 10610716.